The following is an entry in ClinVar:

ClinVar aggregate classification (germline): Pathogenic (1 of 4 stars; one submission).

Submission:

GeneDx
Classification: Pathogenic. Last evaluated: 2018-11-07. Review status: criteria provided, single submitter. Criteria: GeneDx Variant Classification (06012015). Collection method: clinical testing. Allele origin: germline. Affected: yes.
Comment: The c.1191_1206del16 pathogenic variant in the GLI3 gene causes a frameshift starting with codon Threonine 398, changes this amino acid to a Serine residue and creates a premature Stop codon at position 21 of the new reading frame, denoted p.Thr398SerfsX21. This pathogenic variant is predicted to cause loss of normal protein function either through protein truncation or nonsense-mediated mRNA decay. The variant is not observed in large population cohorts (Lek et al., 2016).

NM_000168.6(GLI3):c.1191_1206del (p.Thr398fs)

Gene: GLI3 (GLI family zinc finger 3; minus strand). Cytogenetic location: 7p14.1.
Variant type: Deletion.
Coding change: c.1191_1206del on transcript NM_000168.6 (MANE Select); coding-DNA positions 1191 to 1206, 16 bases deleted (TACGGTTCTGAACCCC).
Protein change: p.Thr398fs; shifts the reading frame from threonine 398.
Molecular consequence: frameshift variant.
Genome position (GRCh38, 1-based): chr7:42,026,235-42,026,250, GGGGTTCAGAACCGTA deleted on the plus strand (TACGGTTCTGAACCCC on the coding strand, the reverse complement: GLI3 is on the minus strand); deleting any 16 consecutive bases within chr7:42,026,235-42,026,253 gives the same sequence; the c. name uses the placement nearest the transcript's 3' end. VCF-style (leftmost placement, unchanged base first): chr7-42026234-CGGGGTTCAGAACCGTA-C. GRCh37 (hg19) VCF-style: chr7-42065833-CGGGGTTCAGAACCGTA-C.
Other names: short protein forms T398fs.
Identifiers: ClinVar variation 504054 (VCV000504054.2), dbSNP rs1554315071, ClinGen allele CA658796926.
Genomic context (GRCh38, chr7:42,026,234, plus strand): 5'-GGGTGCATCGACCTGTCCCTCTCACCTGTGAGGACTCAGAAGGGCCGGAGCTGACCTGGA[CGGGGTTCAGAACCGTA>C]GGGATCCCTGGAATAGGCCTCTGTGTTGGAAAAGTTGGGGCAGGGTGGATGAGTGGAGGG-3'